The following is an entry in ClinVar:

ClinVar aggregate classification (germline): Pathogenic/Likely pathogenic. Review status: criteria provided, multiple submitters, no conflicts (2 of 4 stars). 2 submissions from 2 submitters: Pathogenic (1); Likely pathogenic (1). Last evaluated 2024-12-30.

Conditions:
Moyamoya disease with early-onset achalasia (MYMY6). Also called: MOYAMOYA DISEASE 6 WITH OR WITHOUT ACHALASIA. Identifiers: Orphanet 401945, MedGen C3810403, MONDO:0014331, OMIM 615750.

Allele frequency attached by ClinVar (database versions not stated): gnomAD exomes below 0.00001; ExAC 0.00001; gnomAD 0.00001; TOPMed 0.00003.
gnomAD v4.1: 5 of 1,450,778 alleles (0.00034%); highest among the groups gnomAD compares: African/African-American, 0.0014%; no homozygotes.

Submissions (2):

Women's Health and Genetics/Laboratory Corporation of America, LabCorp
Classification: Likely pathogenic for Moyamoya disease with early-onset achalasia. Last evaluated: 2024-12-30. Review status: criteria provided, single submitter. Criteria: LabCorp Variant Classification Summary - May 2015. Collection method: clinical testing. Allele origin: germline.
Comment: Variant summary: GUCY1A1 c.1086+1G>T is located in a canonical splice-site and is predicted to affect mRNA splicing resulting in a significantly altered protein due to either exon skipping, shortening, or inclusion of intronic material. Variants that disrupt the consensus splice site are a relatively common cause of aberrant splicing and loss of GUCY1A1 function. Several computational tools predict a significant impact on normal splicing: Three predict the variant abolishes a 5' splicing donor site. Two predict the variant creates a 5' donor site. However, these predictions have yet to be confirmed by functional studies. The variant allele was found at a frequency of 3.4e-06 in 1450778 control chromosomes. To our knowledge, no occurrence of c.1086+1G>T in individuals affected with Moyamoya Disease With Early-Onset Achalasia and no experimental evidence demonstrating its impact on protein function have been reported. ClinVar contains an entry for this variant (Variation ID: 1323042). Based on the evidence outlined above, the variant was classified as likely pathogenic.

Revvity Omics, Revvity
Classification: Pathogenic for Moyamoya disease with early-onset achalasia. Last evaluated: 2019-09-06. Review status: criteria provided, single submitter. Criteria: ACMG Guidelines, 2015. Collection method: clinical testing. Allele origin: germline.

NM_001130682.3(GUCY1A1):c.1086+1G>T

Gene: GUCY1A1 (guanylate cyclase 1 soluble subunit alpha 1; plus strand). Cytogenetic location: 4q32.1.
Variant type: single nucleotide variant.
Coding change: c.1086+1G>T on transcript NM_001130682.3 (MANE Select); the canonical splice donor site of the intron after coding-DNA position 1086, G replaced by T.
Molecular consequence: splice donor variant.
Genome position (GRCh38, 1-based): chr4:155,711,252, G>T. VCF-style: chr4-155711252-G-T. GRCh37 (hg19) VCF-style: chr4-156632404-G-T.
Other names: c.1086+1G>T (NM_001379669.1, NM_001130683.4, NM_001379667.1 and 12 more transcripts); c.381+1G>T (NM_001130685.3); c.579+1G>T (NM_001379676.1).
Identifiers: ClinVar variation 1323042 (VCV001323042.5), dbSNP rs587777320, ClinGen allele CA3117303.